The following is an entry in ClinVar:

NM_001282933.2(ZNF341):c.241C>G (p.Pro81Ala)

Gene: ZNF341 (zinc finger protein 341; plus strand). Cytogenetic location: 20q11.22.
Variant type: single nucleotide variant.
Coding change: c.241C>G on transcript NM_001282933.2 (MANE Select); coding-DNA position 241, C replaced by G.
Protein change: p.Pro81Ala; replaces proline 81 with alanine.
Molecular consequence: missense variant. On other transcripts: non-coding transcript variant (1), intron variant (1).
Genome position (GRCh38, 1-based): chr20:33,745,201, C>G. VCF-style: chr20-33745201-C-G. GRCh37 (hg19) VCF-style: chr20-32333007-C-G.
Other names: c.241C>G, p.Pro81Ala (NM_032819.5); c.70-3722C>G (NM_001282935.2); short protein forms P81A.
Identifiers: ClinVar variation 2997233 (VCV002997233.2), dbSNP rs752072467, ClinGen allele CA408645247.
Genomic context (GRCh38, chr20:33,745,201, plus strand): 5'-CAATTCAACTCGCTGCCAGCGTTTATGACCCACAAGCGGGAACAGTGCCAGGGGAATGCC[C>G]CCGCCCTGGCCACAGTCTCACTGGCCACCAACAGCATCTACCCACCTTCGGCAGCACCCA-3'
Protein context (NP_001269862.1, residues 71-91): HKREQCQGNA[Pro81Ala]ALATVSLATN

ClinVar aggregate classification (germline): Uncertain significance (1 of 4 stars; one submission).

gnomAD v4.1: 7 of 1,614,202 alleles (0.00043%); highest among the groups gnomAD compares: East Asian, 0.0022%; no homozygotes.

Submission:

Labcorp Genetics (formerly Invitae), Labcorp
Classification: Uncertain significance. Last evaluated: 2024-05-22. Review status: criteria provided, single submitter. Criteria: Invitae Variant Classification Sherloc (09022015). Collection method: clinical testing. Allele origin: germline.
Comment: This sequence change replaces proline, which is neutral and non-polar, with alanine, which is neutral and non-polar, at codon 81 of the ZNF341 protein (p.Pro81Ala). This variant is present in population databases (no rsID available, gnomAD 0.006%). This variant has not been reported in the literature in individuals affected with ZNF341-related conditions. An algorithm developed to predict the effect of missense changes on protein structure and function (PolyPhen-2) suggests that this variant¬¨‚Ä†is likely to be tolerated. In summary, the available evidence is currently insufficient to determine the role of this variant in disease. Therefore, it has been classified as a Variant of Uncertain Significance.